The following is an entry in ClinVar:

ClinVar aggregate classification (germline): Pathogenic (1 of 4 stars; one submission).

Conditions:
DYRK1A-related intellectual disability syndrome (MRD7). Also called: Intellectual developmental disorder, autosomal dominant 7; DYRK1A Syndrome. Identifiers: Orphanet 464306, MedGen C5568143, MONDO:0013578, OMIM 614104.

Submission:

Labcorp Genetics (formerly Invitae), Labcorp
Classification: Pathogenic for DYRK1A-related intellectual disability syndrome. Last evaluated: 2024-08-14. Review status: criteria provided, single submitter. Criteria: Invitae Variant Classification Sherloc (09022015). Collection method: clinical testing. Allele origin: germline.
Comment: This sequence change creates a premature translational stop signal (p.Gln172*) in the DYRK1A gene. It is expected to result in an absent or disrupted protein product. Loss-of-function variants in DYRK1A are known to be pathogenic (PMID: 25944381). This variant is not present in population databases (gnomAD no frequency). This variant has not been reported in the literature in individuals affected with DYRK1A-related conditions. For these reasons, this variant has been classified as Pathogenic.

Literature cited by the submitters: PubMed 25944381.

NM_001347721.2(DYRK1A):c.487C>T (p.Gln163Ter)

Gene: DYRK1A (dual specificity tyrosine phosphorylation regulated kinase 1A; plus strand). Cytogenetic location: 21q22.13.
Variant type: single nucleotide variant.
Coding change: c.487C>T on transcript NM_001347721.2 (MANE Select); coding-DNA position 487, C replaced by T.
Protein change: p.Gln163Ter; replaces glutamine 163 with a stop codon.
Molecular consequence: nonsense.
Genome position (GRCh38, 1-based): chr21:37,480,824, C>T. VCF-style: chr21-37480824-C-T. GRCh37 (hg19) VCF-style: chr21-38853126-C-T.
Other names: c.487C>T, p.Gln163Ter (NM_001347722.2, NM_130436.2); c.400C>T, p.Gln134Ter (NM_001347723.2); c.514C>T, p.Gln172Ter (NM_001396.5, NM_101395.2, NM_130438.2); short protein forms Q163*, Q172*, Q134*.
Identifiers: ClinVar variation 3662341 (VCV003662341.2).